The following is an entry in ClinVar:

ClinVar aggregate classification (germline): Likely benign. Review status: criteria provided, multiple submitters, no conflicts (2 of 4 stars). 3 submissions from 3 submitters: Likely benign (2). 1 of the submissions does not count toward it. Last evaluated 2025-08-09.

Conditions:
GATA6-related disorder. Also called: GATA6-related condition.
Atrioventricular septal defect 5 (AVSD5). Identifiers: MedGen C3280939, MONDO:0013769, OMIM 614474.

Allele frequency attached by ClinVar (database versions not stated): gnomAD 0.00001 and 0.00004; gnomAD exomes 0.00006 and 0.00014; TOPMed 0.00008; ExAC 0.00010; 1000 Genomes Project 0.00040; 1000 Genomes Project 30x 0.00047.
gnomAD v4.1: 91 of 1,586,224 alleles (0.0057%); highest among the groups gnomAD compares: East Asian, 0.19%; 1 homozygote.

Submissions (3):

Labcorp Genetics (formerly Invitae), Labcorp
Classification: Likely benign for Atrioventricular septal defect 5. Last evaluated: 2025-08-09. Review status: criteria provided, single submitter. Criteria: Invitae Variant Classification Sherloc (09022015). Collection method: clinical testing. Allele origin: germline.

Blueprint Genetics
Classification: Likely benign. Last evaluated: 2022-04-13. Review status: criteria provided, single submitter. Criteria: ACMG Guidelines, 2015. Collection method: clinical testing. Allele origin: germline.

PreventionGenetics, part of Exact Sciences
Classification: Likely benign for GATA6-related condition. Last evaluated: 2022-02-21. Review status: no assertion criteria provided. Collection method: clinical testing. Allele origin: germline. Not counted in ClinVar's aggregate classification.
Comment: This variant is classified as likely benign based on ACMG/AMP sequence variant interpretation guidelines (Richards et al. 2015 PMID: 25741868, with internal and published modifications).

NM_005257.6(GATA6):c.203A>T (p.Glu68Val)

Gene: GATA6 (GATA binding protein 6; plus strand). Cytogenetic location: 18q11.2.
Variant type: single nucleotide variant.
Coding change: c.203A>T on transcript NM_005257.6 (MANE Select); coding-DNA position 203, A replaced by T.
Protein change: p.Glu68Val; replaces glutamic acid 68 with valine.
Molecular consequence: missense variant.
Genome position (GRCh38, 1-based): chr18:22,171,347, A>T. VCF-style: chr18-22171347-A-T. GRCh37 (hg19) VCF-style: chr18-19751308-A-T.
Other names: short protein forms E68V.
Identifiers: ClinVar variation 698610 (VCV000698610.11), dbSNP rs200483324, ClinGen allele CA8908847.
Genomic context (GRCh38, chr18:22,171,347, plus strand): 5'-GGGGCGGAGAGCGGGGCCCCGGCGGCGCCAGCAACTGCGGGACGCCTCAGCTCGACACGG[A>T]GGCGGCGGCCGGACCCCCGGCCCGCTCGCTGCTGCTCAGTTCCTACGCTTCGCATCCCTT-3'
Protein context (NP_005248.2, residues 58-78): SNCGTPQLDT[Glu68Val]AAAGPPARSL